The following is an entry in ClinVar:

NM_001195129.2(PRSS56):c.82_84del (p.Pro28del)

Gene: PRSS56 (serine protease 56; plus strand). Cytogenetic location: 2q37.1.
Variant type: Deletion.
Coding change: c.82_84del on transcript NM_001195129.2 (MANE Select); coding-DNA positions 82 to 84, 3 bases deleted (CCC; older notation c.82_84delCCC).
Protein change: p.Pro28del; deletes proline 28.
Molecular consequence: inframe deletion.
Genome position (GRCh38, 1-based): chr2:232,520,680-232,520,682, CCC deleted; deleting any 3 consecutive bases within chr2:232,520,677-232,520,682 gives the same sequence; the c. name uses the placement nearest the transcript's 3' end. VCF-style (leftmost placement, unchanged base first): chr2-232520676-GCCC-G. GRCh37 (hg19) VCF-style: chr2-233385386-GCCC-G.
Other names: c.82_84del, p.Pro28del (NM_001369848.1); short protein forms P28del.
Identifiers: ClinVar variation 2097858 (VCV002097858.4), dbSNP rs2469694375, ClinGen allele CA2580066053.

ClinVar aggregate classification (germline): Uncertain significance (1 of 4 stars; one submission).

Conditions:
Isolated microphthalmia 6. Also called: MICROPHTHALMIA, POSTERIOR NONSYNDROMIC. Identifiers: Orphanet 2542, MedGen C3150757, MONDO:0013293, OMIM 613517.

Submission:

Labcorp Genetics (formerly Invitae), Labcorp
Classification: Uncertain significance for Isolated microphthalmia 6. Last evaluated: 2022-10-24. Review status: criteria provided, single submitter. Criteria: Invitae Variant Classification Sherloc (09022015). Collection method: clinical testing. Allele origin: germline.
Comment: This variant is not present in population databases (gnomAD no frequency). This variant, c.82_84del, results in the deletion of 1 amino acid(s) of the PRSS56 protein (p.Pro28del), but otherwise preserves the integrity of the reading frame. This variant has not been reported in the literature in individuals affected with PRSS56-related conditions. Experimental studies and prediction algorithms are not available or were not evaluated, and the functional significance of this variant is currently unknown. In summary, the available evidence is currently insufficient to determine the role of this variant in disease. Therefore, it has been classified as a Variant of Uncertain Significance.